The following is an entry in ClinVar:

NM_000374.5(UROD):c.239C>G (p.Ala80Gly)

Gene: UROD (uroporphyrinogen decarboxylase; plus strand). Cytogenetic location: 1p34.1.
Variant type: single nucleotide variant.
Coding change: c.239C>G on transcript NM_000374.5 (MANE Select); coding-DNA position 239, C replaced by G.
Protein change: p.Ala80Gly; replaces alanine 80 with glycine.
Molecular consequence: missense variant. On other transcripts: non-coding transcript variant (3).
Genome position (GRCh38, 1-based): chr1:45,013,317, C>G. VCF-style: chr1-45013317-C-G. GRCh37 (hg19) VCF-style: chr1-45478989-C-G.
Other names: short protein forms A80G.
Identifiers: ClinVar variation 2733887 (VCV002733887.3), dbSNP rs776907084, ClinGen allele CA825178.

ClinVar aggregate classification (germline): Pathogenic (1 of 4 stars; one submission).

Allele frequency attached by ClinVar (database versions not stated): ExAC 0.00001; gnomAD 0.00001; TOPMed 0.00001.

Submission:

Labcorp Genetics (formerly Invitae), Labcorp
Classification: Pathogenic. Last evaluated: 2023-07-17. Review status: criteria provided, single submitter. Criteria: Invitae Variant Classification Sherloc (09022015). Collection method: clinical testing. Allele origin: germline.
Comment: This variant disrupts the p.Ala80 amino acid residue in UROD. Other variant(s) that disrupt this residue have been determined to be pathogenic (PMID: 11069625, 11202053, 11719352). This suggests that this residue is clinically significant, and that variants that disrupt this residue are likely to be disease-causing. For these reasons, this variant has been classified as Pathogenic. Experimental studies have shown that this missense change affects UROD function (PMID: 8896428). Advanced modeling of protein sequence and biophysical properties (such as structural, functional, and spatial information, amino acid conservation, physicochemical variation, residue mobility, and thermodynamic stability) performed at Invitae indicates that this missense variant is not expected to disrupt UROD protein function. This missense change has been observed in individual(s) with UROD-related conditions (PMID: 8896428, 10980536). This variant is present in population databases (rs776907084, gnomAD 0.0009%). This sequence change replaces alanine, which is neutral and non-polar, with glycine, which is neutral and non-polar, at codon 80 of the UROD protein (p.Ala80Gly).

Literature cited by the submitters: PubMed 11069625; PubMed 11202053; PubMed 11719352; PubMed 8896428; PubMed 10980536.